The following is an entry in ClinVar:

NM_005089.4(ZRSR2):c.1291A>C (p.Arg431=)

Gene: ZRSR2 (zinc finger CCCH-type, RNA binding motif and serine/arginine rich 2; plus strand). Cytogenetic location: Xp22.2.
Variant type: single nucleotide variant.
Coding change: c.1291A>C on transcript NM_005089.4 (MANE Select); coding-DNA position 1291, A replaced by C.
Protein change: p.Arg431=; no amino-acid change (arginine 431 retained).
Molecular consequence: synonymous variant.
Genome position (GRCh38, 1-based): chrX:15,823,084, A>C. VCF-style: chrX-15823084-A-C. GRCh37 (hg19) VCF-style: chrX-15841207-A-C.
Identifiers: ClinVar variation 3389222 (VCV003389222.14).

ClinVar aggregate classification (germline): Likely benign (1 of 4 stars; one submission).

gnomAD v4.1: 3 of 1,209,148 alleles (0.00025%); highest among the groups gnomAD compares: Non-Finnish European, 0.00034%; no homozygotes.

Submission:

CeGaT Center for Human Genetics Tuebingen
Classification: Likely benign. Last evaluated: 2024-09-01. Review status: criteria provided, single submitter. Criteria: CeGaT Center For Human Genetics Tuebingen Variant Classification Criteria Version 2. Collection method: clinical testing. Allele origin: germline. Affected: yes. Observed: 1 variant allele.
Comment: ZRSR2: BP4, BP7